The following is an entry in ClinVar:

ClinVar aggregate classification (germline): Uncertain significance. Review status: criteria provided, multiple submitters, no conflicts (2 of 4 stars). 2 submissions from 2 submitters: Uncertain significance (2). Last evaluated 2025-12-04.

Conditions:
Ataxia-telangiectasia syndrome (AT). Also called: LOUIS-BAR SYNDROME; Cerebello-oculocutaneous telangiectasia; Immunodeficiency with ataxia telangiectasia; Ataxia-telangiectasia, complementation group D; Ataxia-telangiectasia, complementation group E; Ataxia telangiectasia (A-T). Identifiers: Orphanet 100, MedGen C0004135, MONDO:0008840, OMIM 208900.
Hereditary cancer-predisposing syndrome. Also called: Hereditary neoplastic syndrome; Hereditary Cancer Syndrome; Neoplastic Syndromes, Hereditary; Tumor predisposition. Identifiers: Orphanet 140162, MedGen C0027672, MeSH D009386, MONDO:0015356.

Submissions (2):

Ambry Genetics
Classification: Uncertain significance for Hereditary cancer-predisposing syndrome. Last evaluated: 2025-12-04. Review status: criteria provided, single submitter. Criteria: Ambry Variant Classification Scheme 2023. Collection method: clinical testing. Allele origin: germline.
Comment: The p.T21R variant (also known as c.62C>G), located in coding exon 1 of the ATM gene, results from a C to G substitution at nucleotide position 62. The threonine at codon 21 is replaced by arginine, an amino acid with similar properties. This amino acid position is conserved. In addition, this alteration is predicted to be tolerated by in silico analysis. Based on the available evidence, the clinical significance of this variant remains unclear.

Labcorp Genetics (formerly Invitae), Labcorp
Classification: Uncertain significance for Ataxia-telangiectasia syndrome. Last evaluated: 2023-12-17. Review status: criteria provided, single submitter. Criteria: Invitae Variant Classification Sherloc (09022015). Collection method: clinical testing. Allele origin: germline.
Comment: This sequence change replaces threonine, which is neutral and polar, with arginine, which is basic and polar, at codon 21 of the ATM protein (p.Thr21Arg). This variant is not present in population databases (gnomAD no frequency). This variant has not been reported in the literature in individuals affected with ATM-related conditions. Advanced modeling of protein sequence and biophysical properties (such as structural, functional, and spatial information, amino acid conservation, physicochemical variation, residue mobility, and thermodynamic stability) performed at Invitae indicates that this missense variant is not expected to disrupt ATM protein function with a negative predictive value of 95%. Algorithms developed to predict the effect of sequence changes on RNA splicing suggest that this variant may disrupt the consensus splice site. In summary, the available evidence is currently insufficient to determine the role of this variant in disease. Therefore, it has been classified as a Variant of Uncertain Significance.

NM_000051.4(ATM):c.62C>G (p.Thr21Arg)

Gene: ATM (ATM serine/threonine kinase; plus strand). Cytogenetic location: 11q22.3.
Variant type: single nucleotide variant.
Coding change: c.62C>G on transcript NM_000051.4 (MANE Select); coding-DNA position 62, C replaced by G.
Protein change: p.Thr21Arg; replaces threonine 21 with arginine.
Molecular consequence: missense variant.
Genome position (GRCh38, 1-based): chr11:108,227,686, C>G. VCF-style: chr11-108227686-C-G. GRCh37 (hg19) VCF-style: chr11-108098413-C-G.
Other names: c.62C>G, p.Thr21Arg (NM_001351834.2, NM_001351835.2, NM_001351836.2); short protein forms T21R.
Identifiers: ClinVar variation 3006410 (VCV003006410.4), dbSNP rs1442769051, ClinGen allele CA382519331.